The following is an entry in ClinVar:

ClinVar aggregate classification (germline): Pathogenic (1 of 4 stars; one submission).

Allele frequency attached by ClinVar (database versions not stated): gnomAD exomes below 0.00001; ExAC 0.00001; gnomAD 0.00001; TOPMed 0.00001.
gnomAD v4.1: 7 of 1,612,696 alleles (0.00043%); highest among the groups gnomAD compares: Admixed American, 0.01%; no homozygotes.

Submission:

Labcorp Genetics (formerly Invitae), Labcorp
Classification: Pathogenic. Last evaluated: 2024-07-11. Review status: criteria provided, single submitter. Criteria: Invitae Variant Classification Sherloc (09022015). Collection method: clinical testing. Allele origin: germline.
Comment: This sequence change creates a premature translational stop signal (p.Ser497*) in the CEP152 gene. It is expected to result in an absent or disrupted protein product. Loss-of-function variants in CEP152 are known to be pathogenic (PMID: 21131973). The frequency data for this variant in the population databases is considered unreliable, as metrics indicate poor data quality at this position in the gnomAD database. This variant has not been reported in the literature in individuals affected with CEP152-related conditions. For these reasons, this variant has been classified as Pathogenic.

Literature cited by the submitters: PubMed 21131973.

NM_001194998.2(CEP152):c.1490C>G (p.Ser497Ter)

Gene: CEP152 (centrosomal protein 152; minus strand). Cytogenetic location: 15q21.1.
Variant type: single nucleotide variant.
Coding change: c.1490C>G on transcript NM_001194998.2 (MANE Select); coding-DNA position 1490, C replaced by G.
Protein change: p.Ser497Ter; replaces serine 497 with a stop codon.
Molecular consequence: nonsense.
Genome position (GRCh38, 1-based): chr15:48,781,283, G>C on the plus strand (C>G on the coding strand, the complement: CEP152 is on the minus strand). VCF-style: chr15-48781283-G-C. GRCh37 (hg19) VCF-style: chr15-49073480-G-C.
Other names: c.1490C>G, p.Ser497Ter (NM_014985.4); short protein forms S497*.
Identifiers: ClinVar variation 2895271 (VCV002895271.3), dbSNP rs748840635, ClinGen allele CA7548826.